The following is an entry in ClinVar:

NM_001271938.2(MEGF8):c.319C>T (p.Arg107Ter)

Gene: MEGF8 (multiple EGF like domains 8; plus strand). Cytogenetic location: 19q13.2.
Variant type: single nucleotide variant.
Coding change: c.319C>T on transcript NM_001271938.2 (MANE Select); coding-DNA position 319, C replaced by T.
Protein change: p.Arg107Ter; replaces arginine 107 with a stop codon.
Molecular consequence: nonsense.
Genome position (GRCh38, 1-based): chr19:42,333,736, C>T. VCF-style: chr19-42333736-C-T. GRCh37 (hg19) VCF-style: chr19-42837888-C-T.
Other names: c.319C>T, p.Arg107Ter (NM_001410.3); short protein forms R107*.
Identifiers: ClinVar variation 3382984 (VCV003382984.2).

ClinVar aggregate classification (germline): Likely pathogenic (1 of 4 stars; one submission).

Conditions:
MEGF8-related Carpenter syndrome. Also called: Carpenter syndrome 2. Identifiers: Orphanet 65759, MedGen C3554247, MONDO:0013998, OMIM 614976.

gnomAD v4.1: 4 of 1,613,820 alleles (0.00025%); highest among the groups gnomAD compares: Non-Finnish European, 0.00034%; no homozygotes.

Submission:

Juno Genomics, Hangzhou Juno Genomics, Inc
Classification: Likely pathogenic for MEGF8-related Carpenter syndrome. Review status: criteria provided, single submitter. Criteria: ACMG Guidelines, 2015. Collection method: clinical testing. Allele origin: germline. Affected: yes.
Comment: Null variant in a gene where loss of function (LOF) is a known mechanism of disease.;Absent from controls (or at extremely low frequency if recessive) in Genome Aggregation Database, Exome Sequencing Project, 1000 Genomes Project, or Exome Aggregation Consortium.